The following is an entry in ClinVar:

ClinVar aggregate classification (germline): Likely benign (0 of 4 stars; one submission).

Conditions:
CUL4B-related disorder. Also called: CUL4B-related condition.

gnomAD v4.1: 38 of 1,202,964 alleles (0.0032%); highest among the groups gnomAD compares: Non-Finnish European, 0.0019%; no homozygotes.

Submission:

PreventionGenetics, part of Exact Sciences
Classification: Likely benign for CUL4B-related condition. Last evaluated: 2023-06-12. Review status: no assertion criteria provided. Collection method: clinical testing. Allele origin: germline.
Comment: This variant is classified as likely benign based on ACMG/AMP sequence variant interpretation guidelines (Richards et al. 2015 PMID: 25741868, with internal and published modifications).

NM_001079872.2(CUL4B):c.2370C>T (p.Phe790=)

Gene: CUL4B (cullin 4B; minus strand). Cytogenetic location: Xq24.
Variant type: single nucleotide variant.
Coding change: c.2370C>T on transcript NM_001079872.2 (MANE Select); coding-DNA position 2370, C replaced by T.
Protein change: p.Phe790=; no amino-acid change (phenylalanine 790 retained).
Molecular consequence: synonymous variant.
Genome position (GRCh38, 1-based): chrX:120,532,491, G>A on the plus strand (C>T on the coding strand, the complement: CUL4B is on the minus strand). VCF-style: chrX-120532491-G-A. GRCh37 (hg19) VCF-style: chrX-119666346-G-A.
Other names: c.2385C>T, p.Phe795= (NM_001330624.2); c.1836C>T, p.Phe612= (NM_001369145.1); c.2424C>T, p.Phe808= (NM_003588.4).
Identifiers: ClinVar variation 3356311 (VCV003356311.1).
Genomic context (GRCh38, chrX:120,532,491, plus strand): 5'-CATCTGGATTTGATTGATCTTTATCCTGAAAAGTTTATGTTTGAAATCATCATTACAAAT[G>A]AACTTGTCACCATCTTCAATGTCTTTGCCCTTTGGATTTTTCGCCAGAACTCTAGCTTTG-3'
Protein context (NP_001073341.1, residues 780-800): KGKDIEDGDK[Phe790=]ICNDDFKHKL